The following is an entry in ClinVar:

ClinVar aggregate classification (germline): Conflicting classifications of pathogenicity. Review status: criteria provided, conflicting classifications (1 of 4 stars). 15 submissions from 15 submitters: Uncertain significance (2); Benign (2); Likely benign (10). 1 of the submissions does not count toward it. Last evaluated 2026-02-02.

Conditions:
Breast-ovarian cancer, familial, susceptibility to, 5 (BROVCA5). Identifiers: MedGen C5830615, MONDO:0957530, OMIM 620442.
PALB2-related disorder. Also called: PALB2-related condition; PALB2-related disorders.
Hereditary cancer-predisposing syndrome. Also called: Tumor predisposition; Hereditary neoplastic syndrome; Neoplastic Syndromes, Hereditary; Hereditary Cancer Syndrome. Identifiers: Orphanet 140162, MedGen C0027672, MeSH D009386, MONDO:0015356.
Hereditary breast ovarian cancer syndrome. Also called: Hereditary breast and ovarian cancer syndrome (HBOC); Hereditary breast and ovarian cancer; Hereditary breast and ovarian cancer syndrome; Breast and ovarian cancer; Hereditary breast and/or ovarian cancer syndrome; BRCA1- and BRCA2-Associated Hereditary Breast and Ovarian Cancer. Identifiers: Orphanet 145, MedGen C0677776, MeSH D061325, MONDO:0003582. Disease mechanism: loss of function.
Familial cancer of breast. Also called: Hereditary breast cancer; hereditary breast carcinoma; BREAST CANCER, FAMILIAL. Identifiers: Orphanet 227535, MedGen C0346153, MONDO:0016419, OMIM 114480. Disease mechanism: loss of function.

Allele frequency attached by ClinVar (database versions not stated): gnomAD exomes 0.00013; ExAC 0.00018; gnomAD 0.00049 and 0.00051; TOPMed 0.00056; ESP Exome Variant Server 0.00069.
gnomAD v4.1: 151 of 1,613,342 alleles (0.0094%); highest among the groups gnomAD compares: African/African-American, 0.16%; 1 homozygote.

Submissions (15):

Labcorp Genetics (formerly Invitae), Labcorp
Classification: Likely benign for Familial cancer of breast. Last evaluated: 2026-02-02. Review status: criteria provided, single submitter. Criteria: Invitae Variant Classification Sherloc (09022015). Collection method: clinical testing. Allele origin: germline.

CeGaT Center for Human Genetics Tuebingen
Classification: Likely benign. Last evaluated: 2025-08-01. Review status: criteria provided, single submitter. Criteria: CeGaT Center For Human Genetics Tuebingen Variant Classification Criteria Version 2. Collection method: clinical testing. Allele origin: germline. Affected: yes. Observed: 2 variant alleles.
Comment: PALB2: BP1, BP4, BS1

Quest Diagnostics Nichols Institute San Juan Capistrano
Classification: Likely benign. Last evaluated: 2025-02-04. Review status: criteria provided, single submitter. Criteria: Quest Diagnostics criteria. Collection method: clinical testing. Allele origin: unknown.

Myriad Genetics, Inc.
Classification: Benign for Familial cancer of breast. Last evaluated: 2025-01-09. Review status: criteria provided, single submitter. Criteria: Myriad Autosomal Dominant, Autosomal Recessive and X-Linked Classification Criteria (2023). Collection method: clinical testing. Allele origin: unknown.
Comment: This variant is considered benign. This variant is strongly associated with less severe personal and family histories of cancer, typical for individuals without pathogenic variants in this gene [PMID: 25085752]. This variant has been observed in trans with a known pathogenic variant in one or more individuals lacking clinical features consistent with gene-specific recessive disease.

PreventionGenetics, part of Exact Sciences
Classification: Likely benign for PALB2-related condition. Last evaluated: 2024-10-21. Review status: criteria provided, single submitter. Criteria: ACMG Guidelines, 2015. Collection method: clinical testing. Allele origin: germline.
Comment: This variant is classified as likely benign based on ACMG/AMP sequence variant interpretation guidelines (Richards et al. 2015 PMID: 25741868, with internal and published modifications).

Blueprint Genetics
Classification: Uncertain significance. Last evaluated: 2024-06-26. Review status: criteria provided, single submitter. Criteria: ACMG Guidelines, 2015. Collection method: clinical testing. Allele origin: germline.

Mendelics
Classification: Benign. Last evaluated: 2022-12-13. Review status: criteria provided, single submitter. Criteria: Mendelics Assertion Criteria 2017. Collection method: clinical testing. Allele origin: unknown.

National Health Laboratory Service, Universitas Academic Hospital and University of the Free State
Classification: Uncertain significance for Hereditary breast ovarian cancer syndrome. Last evaluated: 2022-04-19. Review status: criteria provided, single submitter. Criteria: ACMG Guidelines, 2015. Collection method: clinical testing. Allele origin: germline. Affected: yes. Observed: 5 variant alleles.

Department of Pathology and Laboratory Medicine, Sinai Health System
Classification: Likely benign for Breast-ovarian cancer, familial, susceptibility to, 5. Last evaluated: 2021-09-07. Review status: criteria provided, single submitter. Criteria: ACMG Guidelines, 2015. Collection method: clinical testing. Allele origin: germline. Affected: yes.

Sema4
Classification: Likely benign for Hereditary cancer-predisposing syndrome. Last evaluated: 2021-04-23. Review status: criteria provided, single submitter. Criteria: Sema4 Curation Guidelines. Collection method: curation. Allele origin: germline.

GeneDx
Classification: Likely benign. Last evaluated: 2020-12-31. Review status: criteria provided, single submitter. Criteria: GeneDx Variant Classification Process June 2021. Collection method: clinical testing. Allele origin: germline. Affected: yes.
Comment: Published functional studies demonstrate moderate PARPi sensitivity, moderate interaction with BRCA1, cellular localization similar to wild type, normal response to DNA damage, reduced RAD51 foci formation, and normal or decreased HDR activity (Rodrigue 2019, Wiltshire 2019); In silico analysis supports that this missense variant has a deleterious effect on protein structure/function; This variant is associated with the following publications: (PMID: 32185139, 33169439, 32209438, 31636395, 31658756, 31586400, 23555315, 25503501, 28944238, 28528518, 26315354, 25186627, 21113654)

Ambry Genetics
Classification: Likely benign for Hereditary cancer-predisposing syndrome. Last evaluated: 2020-05-12. Review status: criteria provided, single submitter. Criteria: Ambry Variant Classification Scheme 2023. Collection method: clinical testing. Allele origin: germline.

Women's Health and Genetics/Laboratory Corporation of America, LabCorp
Classification: Likely benign. Last evaluated: 2017-02-16. Review status: criteria provided, single submitter. Criteria: LabCorp Variant Classification Summary - May 2015. Collection method: clinical testing. Allele origin: germline.
Comment: Variant summary: The c.23C>T (p.Pro8Leu) in PALB2 gene is a missense change that involves a non-conserved nucleotide and 3/5 in silico tools predict deleterious outcome. The variant is located in the a coiled-coil domain of PALB2 required for RAD51- and BRCA1-binding, however no functional studies confirming deleterious effect of this change have been reported at the time of evaluation. The variant is present in the control population dataset of ExAC at a frequency of 0.0001801 (20/ 111058 chrs tested), predominantly in individuals of African descent (0.001817; 16/ 8808 chrs tested). The observed frequencies exceed the maximum expected allele frequency for a pathogenic variant of 0.000156, suggesting it is may be an ethnic-specific functional polymorphism. The variant has been reported in BrC pt without strong evidence for causality. The variant is cited as VUS/Likely Benign by reputable databases/clinical laboratories without evidence to independently evaluate. Taking together, the variant was classified as Likely Benign.

Color Diagnostics, LLC DBA Color Health
Classification: Likely benign for Hereditary cancer-predisposing syndrome. Last evaluated: 2016-01-05. Review status: criteria provided, single submitter. Criteria: ACMG Guidelines, 2015. Collection method: clinical testing. Allele origin: germline.

Leiden Open Variation Database
Classification: Likely benign. Last evaluated: 2019-05-13. Review status: no assertion criteria provided. Collection method: curation. Allele origin: germline. Affected: yes. Not counted in ClinVar's aggregate classification.
Comment: Curators: Marc Tischkowitz, Arleen D. Auerbach. Submitters to LOVD: Marc Tischkowitz, Melissa DeRycke.

Literature cited by the submitters: PubMed 28528518 (cited by Quest Diagnostics Nichols Institute San Juan Capistrano and Department of Pathology and Laboratory Medicine, Sinai Health System); PubMed 36898365 (cited by Quest Diagnostics Nichols Institute San Juan Capistrano); PubMed 21113654 (cited by 5 submitters); PubMed 31636395 (cited by Quest Diagnostics Nichols Institute San Juan Capistrano and Department of Pathology and Laboratory Medicine, Sinai Health System); PubMed 31586400 (cited by Quest Diagnostics Nichols Institute San Juan Capistrano and Department of Pathology and Laboratory Medicine, Sinai Health System); PubMed 28944238 (cited by 3 submitters); PubMed 26315354 (cited by 3 submitters); PubMed 25503501 (cited by Quest Diagnostics Nichols Institute San Juan Capistrano and Women's Health and Genetics/Laboratory Corporation of America, LabCorp); PubMed 25186627 (cited by 4 submitters); PubMed 35039564 (cited by Quest Diagnostics Nichols Institute San Juan Capistrano); PubMed 35264596 (cited by Quest Diagnostics Nichols Institute San Juan Capistrano); PubMed 35534704 (cited by Quest Diagnostics Nichols Institute San Juan Capistrano); PubMed 36315513 (cited by Quest Diagnostics Nichols Institute San Juan Capistrano); PubMed 25085752 (cited by Myriad Genetics, Inc.).

NM_024675.4(PALB2):c.23C>T (p.Pro8Leu)

Gene: PALB2 (partner and localizer of BRCA2; minus strand). Cytogenetic location: 16p12.2.
Variant type: single nucleotide variant.
Coding change: c.23C>T on transcript NM_024675.4 (MANE Select); coding-DNA position 23, C replaced by T.
Protein change: p.Pro8Leu; replaces proline 8 with leucine.
Molecular consequence: missense variant.
Genome position (GRCh38, 1-based): chr16:23,641,135, G>A on the plus strand (C>T on the coding strand, the complement: PALB2 is on the minus strand). VCF-style: chr16-23641135-G-A. GRCh37 (hg19) VCF-style: chr16-23652456-G-A.
Other names: p.P8L:CCC>CTC; NP_078951.2:p.Pro8Leu; short protein forms P8L.
Identifiers: ClinVar variation 126652 (VCV000126652.46), dbSNP rs150390726, ClinGen allele CA299799.
Genomic context (GRCh38, chr16:23,641,135, plus strand): 5'-GAGTCCTGCGTCCGCCCTTCCCGCACCCCCGGCACCTTTTCCTTCTCCTCACAGCTGAGG[G>A]GCTTCCCGGGAGGCTCGTCCATCGGGCAGGCGACAGAACGAAAAGAGCAGCCGTCGCCGA-3'
Protein context (NP_078951.2, residues 1-18): MDEPPGK[Pro8Leu]LSCEEKEKLK